The following is an entry in ClinVar:

ClinVar aggregate classification (germline): Likely benign (1 of 4 stars; one submission).

Allele frequency attached by ClinVar (database versions not stated): 1000 Genomes Project 30x 0.00297; 1000 Genomes Project 0.00300; ESP Exome Variant Server 0.00516; TOPMed 0.00538; gnomAD 0.00553; ExAC 0.00580; gnomAD exomes 0.00745.

Submission:

CeGaT Center for Human Genetics Tuebingen
Classification: Likely benign. Last evaluated: 2022-11-01. Review status: criteria provided, single submitter. Criteria: CeGaT Center For Human Genetics Tuebingen Variant Classification Criteria Version 2. Collection method: clinical testing. Allele origin: germline. Affected: yes. Observed: 1 variant allele.
Comment: OR4A5: BP4, BP7, BS2

NM_001005272.3(OR4A5):c.360C>T (p.Arg120=)

Gene: OR4A5 (olfactory receptor family 4 subfamily A member 5; plus strand). Cytogenetic location: 11q11.
Variant type: single nucleotide variant.
Coding change: c.360C>T on transcript NM_001005272.3 (MANE Select); coding-DNA position 360, C replaced by T.
Protein change: p.Arg120=; no amino-acid change (arginine 120 retained).
Molecular consequence: synonymous variant.
Genome position (GRCh38, 1-based): chr11:54,707,244, C>T. VCF-style: chr11-54707244-C-T. GRCh37 (hg19) VCF-style: chr11-51412036-G-A.
Identifiers: ClinVar variation 2641782 (VCV002641782.24), dbSNP rs142260988, ClinGen allele CA5988397.